The following is an entry in ClinVar:

ClinVar aggregate classification (germline): Uncertain significance (1 of 4 stars; one submission).

Allele frequency attached by ClinVar (database versions not stated): gnomAD exomes below 0.00001.
gnomAD v4.1: 2 of 1,611,674 alleles (0.00012%); highest among the groups gnomAD compares: Non-Finnish European, 0.000085%; no homozygotes.

Submission:

Labcorp Genetics (formerly Invitae), Labcorp
Classification: Uncertain significance. Last evaluated: 2022-09-21. Review status: criteria provided, single submitter. Criteria: Invitae Variant Classification Sherloc (09022015). Collection method: clinical testing. Allele origin: germline.
Comment: This sequence change replaces glycine, which is neutral and non-polar, with arginine, which is basic and polar, at codon 340 of the HECW2 protein (p.Gly340Arg). This variant is not present in population databases (gnomAD no frequency). This variant has not been reported in the literature in individuals affected with HECW2-related conditions. Algorithms developed to predict the effect of missense changes on protein structure and function are either unavailable or do not agree on the potential impact of this missense change (SIFT: "Deleterious"; PolyPhen-2: "Possibly Damaging"; Align-GVGD: "Class C0"). Algorithms developed to predict the effect of sequence changes on RNA splicing suggest that this variant may create or strengthen a splice site. In summary, the available evidence is currently insufficient to determine the role of this variant in disease. Therefore, it has been classified as a Variant of Uncertain Significance.

NM_001348768.2(HECW2):c.1018G>A (p.Gly340Arg)

Gene: HECW2 (HECT, C2 and WW domain containing E3 ubiquitin protein ligase 2; minus strand). Cytogenetic location: 2q32.3.
Variant type: single nucleotide variant.
Coding change: c.1018G>A on transcript NM_001348768.2 (MANE Select); coding-DNA position 1018, G replaced by A.
Protein change: p.Gly340Arg; replaces glycine 340 with arginine.
Molecular consequence: missense variant. On other transcripts: 5 prime UTR variant (1).
Genome position (GRCh38, 1-based): chr2:196,319,872, C>T on the plus strand (G>A on the coding strand, the complement: HECW2 is on the minus strand). VCF-style: chr2-196319872-C-T. GRCh37 (hg19) VCF-style: chr2-197184596-C-T.
Other names: c.-51G>A (NM_001304840.3); c.1018G>A, p.Gly340Arg (NM_020760.4); short protein forms G340R.
Identifiers: ClinVar variation 1970880 (VCV001970880.2), dbSNP rs2469050508, ClinGen allele CA349967429.